The following is an entry in ClinVar:

NM_001330078.2(NRXN1):c.366G>T (p.Gln122His)

Gene: NRXN1 (neurexin 1; minus strand). Cytogenetic location: 2p16.3.
Variant type: single nucleotide variant.
Coding change: c.366G>T on transcript NM_001330078.2 (MANE Select); coding-DNA position 366, G replaced by T.
Protein change: p.Gln122His; replaces glutamine 122 with histidine.
Molecular consequence: missense variant.
Genome position (GRCh38, 1-based): chr2:51,027,908, C>A on the plus strand (G>T on the coding strand, the complement: NRXN1 is on the minus strand). VCF-style: chr2-51027908-C-A. GRCh37 (hg19) VCF-style: chr2-51255046-C-A.
Other names: c.366G>T, p.Gln122His (NM_001135659.3, NM_001330077.2, NM_001330079.2 and 15 more transcripts); short protein forms Q122H.
Identifiers: ClinVar variation 2744704 (VCV002744704.3), dbSNP rs2468078961, ClinGen allele CA346824155.

ClinVar aggregate classification (germline): Uncertain significance (1 of 4 stars; one submission).

Conditions:
Pitt-Hopkins-like syndrome 2 (PTHSL2). Identifiers: Orphanet 221150, Orphanet 600663, MedGen C3280479, MONDO:0013690, OMIM 614325.

Submission:

Labcorp Genetics (formerly Invitae), Labcorp
Classification: Uncertain significance for Pitt-Hopkins-like syndrome 2. Last evaluated: 2023-11-17. Review status: criteria provided, single submitter. Criteria: Invitae Variant Classification Sherloc (09022015). Collection method: clinical testing. Allele origin: germline.
Comment: This sequence change replaces glutamine, which is neutral and polar, with histidine, which is basic and polar, at codon 122 of the NRXN1 protein (p.Gln122His). This variant is not present in population databases (gnomAD no frequency). This variant has not been reported in the literature in individuals affected with NRXN1-related conditions. An algorithm developed to predict the effect of missense changes on protein structure and function (PolyPhen-2) suggests that this variant is likely to be tolerated. In summary, the available evidence is currently insufficient to determine the role of this variant in disease. Therefore, it has been classified as a Variant of Uncertain Significance.